The following is an entry in ClinVar:

NM_000238.4(KCNH2):c.2257del (p.Ala753fs)

Gene: KCNH2 (potassium voltage-gated channel subfamily H member 2; minus strand). Cytogenetic location: 7q36.1.
Variant type: Deletion.
Coding change: c.2257del on transcript NM_000238.4 (MANE Select); coding-DNA position 2257, one base deleted (G; older notation c.2257delG).
Protein change: p.Ala753fs; shifts the reading frame from alanine 753.
Molecular consequence: frameshift variant.
Genome position (GRCh38, 1-based): chr7:150,950,309, C deleted on the plus strand (G on the coding strand, the reverse complement: KCNH2 is on the minus strand); the first of 3 consecutive C bases (chr7:150,950,309-150,950,311); deleting any one gives the same sequence. VCF-style (leftmost placement, unchanged base first): chr7-150950308-GC-G. GRCh37 (hg19) VCF-style: chr7-150647396-GC-G.
Other names: c.1237del, p.Ala413fs (NM_001204798.2, NM_172057.3); c.1967delG, p.Ala657Profs (NM_001406753.1, NM_001406756.1); c.2078delG, p.Ala694Profs (NM_001406755.1); c.1955delG, p.Ala653Profs (NM_001406757.1); c.2255delG, p.Ala753Profs (NM_172056.3); c.2257delG (NM_000238.3); short protein forms A413fs, A753fs.
Identifiers: ClinVar variation 640022 (VCV000640022.8), dbSNP rs1584850710, ClinGen allele CA915945574.
Genomic context (GRCh38, chr7:150,950,308, plus strand): 5'-CCAGCATGCACCAGTGTGTCCCCTGGCGGTGCATGTGTGGTCTTGAACTTCATGGCCAGG[GC>G]CCGAAGGCAGCCCTTGGTGGCCCCTCGGAAGGGTTTGCAGTGCTGCAGCAGTGAGCGGTT-3'

ClinVar aggregate classification (germline): Pathogenic (1 of 4 stars; one submission).

Conditions:
Long QT syndrome (LQTS). Identifiers: MedGen C0023976, MeSH D008133, MONDO:0002442. Disease mechanism: loss of function. Inheritance: Various modes of inheritance.

Submission:

Labcorp Genetics (formerly Invitae), Labcorp
Classification: Pathogenic for Long QT syndrome. Last evaluated: 2024-03-19. Review status: criteria provided, single submitter. Criteria: Invitae Variant Classification Sherloc (09022015). Collection method: clinical testing. Allele origin: germline.
Comment: This sequence change creates a premature translational stop signal (p.Ala753Profs*4) in the KCNH2 gene. It is expected to result in an absent or disrupted protein product. Loss-of-function variants in KCNH2 are known to be pathogenic (PMID: 10973849, 19862833). This variant is not present in population databases (gnomAD no frequency). This variant has not been reported in the literature in individuals affected with KCNH2-related conditions. ClinVar contains an entry for this variant (Variation ID: 640022). For these reasons, this variant has been classified as Pathogenic.

Literature cited by the submitters: PubMed 10973849; PubMed 19862833.